The following is an entry in ClinVar:

NM_001605.3(AARS1):c.1172G>A (p.Arg391His)

Gene: AARS1 (alanyl-tRNA synthetase 1; minus strand). Cytogenetic location: 16q22.1.
Variant type: single nucleotide variant.
Coding change: c.1172G>A on transcript NM_001605.3 (MANE Select); coding-DNA position 1172, G replaced by A.
Protein change: p.Arg391His; replaces arginine 391 with histidine.
Molecular consequence: missense variant.
Genome position (GRCh38, 1-based): chr16:70,267,709, C>T on the plus strand (G>A on the coding strand, the complement: AARS1 is on the minus strand). VCF-style: chr16-70267709-C-T. GRCh37 (hg19) VCF-style: chr16-70301612-C-T.
Other names: short protein forms R391H.
Identifiers: ClinVar variation 1799842 (VCV001799842.8), dbSNP rs766386174, ClinGen allele CA8140905.

ClinVar aggregate classification (germline): Uncertain significance. Review status: criteria provided, multiple submitters, no conflicts (2 of 4 stars). 3 submissions from 3 submitters: Uncertain significance (3). Last evaluated 2022-05-22.

Conditions:
Charcot-Marie-Tooth disease type 2. Also called: Charcot-Marie-Tooth type 2. Identifiers: Orphanet 64746, MedGen C0270914, MONDO:0018993.
Inborn genetic diseases. Identifiers: MedGen C0950123, MeSH D030342.

Allele frequency attached by ClinVar (database versions not stated): gnomAD 0.00001; gnomAD exomes 0.00001; ExAC 0.00002; TOPMed 0.00002.
gnomAD v4.1: 12 of 1,613,964 alleles (0.00074%); highest among the groups gnomAD compares: African/African-American, 0.004%; no homozygotes.

Submissions (3):

Labcorp Genetics (formerly Invitae), Labcorp
Classification: Uncertain significance for Charcot-Marie-Tooth disease type 2. Last evaluated: 2022-05-22. Review status: criteria provided, single submitter. Criteria: Invitae Variant Classification Sherloc (09022015). Collection method: clinical testing. Allele origin: germline.
Comment: In summary, the available evidence is currently insufficient to determine the role of this variant in disease. Therefore, it has been classified as a Variant of Uncertain Significance. Algorithms developed to predict the effect of missense changes on protein structure and function are either unavailable or do not agree on the potential impact of this missense change (SIFT: "Tolerated"; PolyPhen-2: "Probably Damaging"; Align-GVGD: "Class C0"). This variant has not been reported in the literature in individuals affected with AARS-related conditions. This variant is present in population databases (rs766386174, gnomAD 0.007%). This sequence change replaces arginine, which is basic and polar, with histidine, which is basic and polar, at codon 391 of the AARS protein (p.Arg391His).

Ambry Genetics
Classification: Uncertain significance for Inborn genetic diseases. Last evaluated: 2021-05-28. Review status: criteria provided, single submitter. Criteria: Ambry Variant Classification Scheme 2023. Collection method: clinical testing. Allele origin: germline.
Comment: The p.R391H variant (also known as c.1172G>A), located in coding exon 8 of the AARS gene, results from a G to A substitution at nucleotide position 1172. The arginine at codon 391 is replaced by histidine, an amino acid with highly similar properties. This amino acid position is highly conserved in available vertebrate species. In addition, the in silico prediction for this alteration is inconclusive. Since supporting evidence is limited at this time, the clinical significance of this alteration remains unclear.

Blueprint Genetics
Classification: Uncertain significance. Last evaluated: 2020-09-10. Review status: criteria provided, single submitter. Criteria: ACMG Guidelines, 2015. Collection method: clinical testing. Allele origin: germline.